The following is an entry in ClinVar:

NM_024411.5(PDYN):c.623G>A (p.Gly208Glu)

Genes: PDYN (prodynorphin; minus strand), PDYN-AS1 (PDYN antisense RNA 1; plus strand). Cytogenetic location: 20p13.
Variant type: single nucleotide variant.
Coding change: c.623G>A on transcript NM_024411.5 (MANE Select); coding-DNA position 623, G replaced by A.
Protein change: p.Gly208Glu; replaces glycine 208 with glutamic acid.
Molecular consequence: missense variant.
Genome position (GRCh38, 1-based): chr20:1,980,465, C>T on the plus strand (G>A on the coding strand, the complement: PDYN is on the minus strand). VCF-style: chr20-1980465-C-T. GRCh37 (hg19) VCF-style: chr20-1961111-C-T.
Other names: c.623G>A, p.Gly208Glu (NM_001190892.1, NM_001190898.3, NM_001190899.2 and 1 more transcripts); short protein forms G208E.
Identifiers: ClinVar variation 1719824 (VCV001719824.5), dbSNP rs2514334574, ClinGen allele CA408002748.
Genomic context (GRCh38, chr20:1,980,465, plus strand): 5'-CCGCCATAGCGCTTCTGGTTGTCCCACTTGAGCTTGGGACGAATGCGCCGCAAGAAGCCC[C>T]CATAGCGTTTGTACAGGTCCTCATGGCCCATGCTATCCCCGTCCCCCTCCCCAGCCACCT-3'
Protein context (NP_077722.1, residues 198-218): MGHEDLYKRY[Gly208Glu]GFLRRIRPKL

ClinVar aggregate classification (germline): Uncertain significance (1 of 4 stars; one submission).

Submission:

Labcorp Genetics (formerly Invitae), Labcorp
Classification: Uncertain significance. Last evaluated: 2022-09-19. Review status: criteria provided, single submitter. Criteria: Invitae Variant Classification Sherloc (09022015). Collection method: clinical testing. Allele origin: germline.
Comment: In summary, the available evidence is currently insufficient to determine the role of this variant in disease. Therefore, it has been classified as a Variant of Uncertain Significance. Advanced modeling of protein sequence and biophysical properties (such as structural, functional, and spatial information, amino acid conservation, physicochemical variation, residue mobility, and thermodynamic stability) performed at Invitae indicates that this missense variant is expected to disrupt PDYN protein function. This variant has not been reported in the literature in individuals affected with PDYN-related conditions. This variant is not present in population databases (gnomAD no frequency). This sequence change replaces glycine, which is neutral and non-polar, with glutamic acid, which is acidic and polar, at codon 208 of the PDYN protein (p.Gly208Glu).